The following is an entry in ClinVar:

NM_003489.4(NRIP1):c.188G>A (p.Ser63Asn)

Gene: NRIP1 (nuclear receptor interacting protein 1; minus strand). Cytogenetic location: 21q11.2.
Variant type: single nucleotide variant.
Coding change: c.188G>A on transcript NM_003489.4 (MANE Select); coding-DNA position 188, G replaced by A.
Protein change: p.Ser63Asn; replaces serine 63 with asparagine.
Molecular consequence: missense variant.
Genome position (GRCh38, 1-based): chr21:14,968,005, C>T on the plus strand (G>A on the coding strand, the complement: NRIP1 is on the minus strand). VCF-style: chr21-14968005-C-T. GRCh37 (hg19) VCF-style: chr21-16340326-C-T.
Other names: c.188G>A (NM_003489.3); short protein forms S63N.
Identifiers: ClinVar variation 2979814 (VCV002979814.4), dbSNP rs751437580, ClinGen allele CA9981529.

ClinVar aggregate classification (germline): Uncertain significance. Review status: criteria provided, multiple submitters, no conflicts (2 of 4 stars). 2 submissions from 2 submitters: Uncertain significance (2). Last evaluated 2025-11-13.

Conditions:
Inborn genetic diseases. Identifiers: MedGen C0950123, MeSH D030342.

Allele frequency attached by ClinVar (database versions not stated): TOPMed 0.00002; ExAC 0.00001; gnomAD 0.00001; gnomAD exomes 0.00004.
gnomAD v4.1: 56 of 1,613,918 alleles (0.0035%); highest among the groups gnomAD compares: Non-Finnish European, 0.0047%; no homozygotes.

Submissions (2):

Ambry Genetics
Classification: Uncertain significance for Inborn genetic diseases. Last evaluated: 2025-11-13. Review status: criteria provided, single submitter. Criteria: Ambry Variant Classification Scheme 2023. Collection method: clinical testing. Allele origin: germline.

Labcorp Genetics (formerly Invitae), Labcorp
Classification: Uncertain significance. Last evaluated: 2025-06-12. Review status: criteria provided, single submitter. Criteria: Invitae Variant Classification Sherloc (09022015). Collection method: clinical testing. Allele origin: germline.
Comment: This sequence change replaces serine, which is neutral and polar, with asparagine, which is neutral and polar, at codon 63 of the NRIP1 protein (p.Ser63Asn). This variant is present in population databases (rs751437580, gnomAD 0.004%). This variant has not been reported in the literature in individuals affected with NRIP1-related conditions. ClinVar contains an entry for this variant (Variation ID: 2979814). An algorithm developed to predict the effect of missense changes on protein structure and function outputs the following: PolyPhen-2: "Benign". The asparagine amino acid residue is found in multiple mammalian species, which suggests that this missense change does not adversely affect protein function. In summary, the available evidence is currently insufficient to determine the role of this variant in disease. Therefore, it has been classified as a Variant of Uncertain Significance.